The following is an entry in ClinVar:

NM_018341.3(ERMARD):c.743-15T>C

Gene: ERMARD (ER membrane associated RNA degradation; plus strand). Cytogenetic location: 6q27.
Variant type: single nucleotide variant.
Coding change: c.743-15T>C on transcript NM_018341.3 (MANE Select); 15 bases into the intron before coding-DNA position 743, T replaced by C.
Molecular consequence: intron variant.
Genome position (GRCh38, 1-based): chr6:169,760,627, T>C. VCF-style: chr6-169760627-T-C. GRCh37 (hg19) VCF-style: chr6-170160723-T-C.
Other names: c.743-15T>C (NM_001278531.2, NM_001278533.2); c.365-15T>C (NM_001278532.2, NM_001410957.1).
Identifiers: ClinVar variation 2709535 (VCV002709535.3), dbSNP rs940282964, ClinGen allele CA1681277642.

ClinVar aggregate classification (germline): Uncertain significance (1 of 4 stars; one submission).

Allele frequency attached by ClinVar (database versions not stated): TOPMed 0.00001.

Submission:

Labcorp Genetics (formerly Invitae), Labcorp
Classification: Uncertain significance. Last evaluated: 2024-01-16. Review status: criteria provided, single submitter. Criteria: Invitae Variant Classification Sherloc (09022015). Collection method: clinical testing. Allele origin: germline.
Comment: This sequence change falls in intron 7 of the ERMARD gene. It does not directly change the encoded amino acid sequence of the ERMARD protein. This variant is not present in population databases (gnomAD no frequency). This variant has not been reported in the literature in individuals affected with ERMARD-related conditions. Algorithms developed to predict the effect of sequence changes on RNA splicing suggest that this variant may disrupt the consensus splice site. In summary, the available evidence is currently insufficient to determine the role of this variant in disease. Therefore, it has been classified as a Variant of Uncertain Significance.